The following is an entry in ClinVar:

NM_001276379.2(LZTFL1):c.26T>C (p.Met9Thr)

Gene: LZTFL1 (leucine zipper transcription factor like 1; minus strand). Cytogenetic location: 3p21.31.
Variant type: single nucleotide variant.
Coding change: c.26T>C on transcript NM_001276379.2; coding-DNA position 26, T replaced by C.
Protein change: p.Met9Thr; replaces methionine 9 with threonine.
Molecular consequence: missense variant. On other transcripts: 5 prime UTR variant (4), non-coding transcript variant (1).
Genome position (GRCh38, 1-based): chr3:45,913,121, A>G on the plus strand (T>C on the coding strand, the complement: LZTFL1 is on the minus strand). VCF-style: chr3-45913121-A-G. GRCh37 (hg19) VCF-style: chr3-45954613-A-G.
Other names: c.-139T>C (NM_001276378.2, NM_001405927.1); c.26T>C, p.Met9Thr (NM_001405920.1, NM_001405921.1, NM_001405925.1); c.-178T>C (NM_001405923.1, NM_001405926.1); short protein forms M9T.
Identifiers: ClinVar variation 3037258 (VCV003037258.3), dbSNP rs140589938, ClinGen allele CA2352276.
Genomic context (GRCh38, chr3:45,913,121, plus strand): 5'-ACAGCTGTCTCAGCATAACGCAGTAGCAGTAATATGTTCTGTAAATGGTTCAGACTTACC[A>G]TCTTCCCTGGGTCTTGGTTCCTCATCTGTAAAAGTGGGCTGACTTACAGCAAGAGCCTAG-3'

ClinVar aggregate classification (germline): Likely benign. Review status: criteria provided, single submitter (1 of 4 stars). 2 submissions from 2 submitters: Likely benign (1). 1 of the submissions does not count toward it. Last evaluated 2024-11-26.

Conditions:
LZTFL1-related disorder. Also called: LZTFL1-related condition.

Allele frequency attached by ClinVar (database versions not stated): gnomAD 0.00092; ExAC 0.00065; 1000 Genomes Project 0.00060; 1000 Genomes Project 30x 0.00047; TOPMed 0.00091; gnomAD exomes 0.00152.
gnomAD v4.1: 2,248 of 1,536,088 alleles (0.15%); highest among the groups gnomAD compares: Non-Finnish European, 0.18%; 3 homozygotes.

Submissions (2):

Blueprint Genetics
Classification: Likely benign. Last evaluated: 2024-11-26. Review status: criteria provided, single submitter. Criteria: ACMG Guidelines, 2015. Collection method: clinical testing. Allele origin: germline.

PreventionGenetics, part of Exact Sciences
Classification: Likely benign for LZTFL1-related condition. Last evaluated: 2021-06-11. Review status: no assertion criteria provided. Collection method: clinical testing. Allele origin: germline. Not counted in ClinVar's aggregate classification.
Comment: This variant is classified as likely benign based on ACMG/AMP sequence variant interpretation guidelines (Richards et al. 2015 PMID: 25741868, with internal and published modifications).